The following is an entry in ClinVar:

ClinVar aggregate classification (germline): Uncertain significance (1 of 4 stars; one submission).

Submission:

GeneDx
Classification: Uncertain significance. Last evaluated: 2023-06-07. Review status: criteria provided, single submitter. Criteria: GeneDx Variant Classification Process June 2021. Collection method: clinical testing. Allele origin: germline. Affected: yes.
Comment: Not observed at significant frequency in large population cohorts (gnomAD); In silico analysis supports that this missense variant does not alter protein structure/function; Has not been previously published as pathogenic or benign to our knowledge

NM_004115.4(FGF14):c.64G>C (p.Asp22His)

Gene: FGF14 (fibroblast growth factor 14; minus strand). Cytogenetic location: 13q33.1.
Variant type: single nucleotide variant.
Coding change: c.64G>C on transcript NM_004115.4 (MANE Select); coding-DNA position 64, G replaced by C.
Protein change: p.Asp22His; replaces aspartic acid 22 with histidine.
Molecular consequence: missense variant. On other transcripts: intron variant (21).
Genome position (GRCh38, 1-based): chr13:101,916,582, C>G on the plus strand (G>C on the coding strand, the complement: FGF14 is on the minus strand). VCF-style: chr13-101916582-C-G. GRCh37 (hg19) VCF-style: chr13-102568932-C-G.
Other names: c.53-41286G>C (NM_001321947.2); c.92-41286G>C (NM_001379342.1, NM_001321948.2, NM_001321945.2); c.-59-41286G>C (NM_001321946.2, NM_001321949.1, NM_001321943.1 and 4 more transcripts); c.14-41286G>C (NM_001321938.2, NM_001321940.1, NM_001321933.1); c.209-47754G>C (NM_001321939.2); c.209-41286G>C (NM_175929.3, NM_001321937.2); c.8-41286G>C (NM_001321941.2); c.5-41286G>C (NM_001321944.1, NM_001321936.1, NM_001321932.1); short protein forms D22H.
Identifiers: ClinVar variation 3359664 (VCV003359664.1).